The following is an entry in ClinVar:

ClinVar aggregate classification (germline): Uncertain significance (1 of 4 stars; one submission).

Submission:

GeneDx
Classification: Uncertain significance. Last evaluated: 2022-05-05. Review status: criteria provided, single submitter. Criteria: GeneDx Variant Classification Process June 2021. Collection method: clinical testing. Allele origin: germline. Affected: yes.
Comment: Not observed at significant frequency in large population cohorts (gnomAD); In silico analysis supports that this missense variant does not alter protein structure/function; Has not been previously published as pathogenic or benign to our knowledge

NM_006662.3(SRCAP):c.4396T>G (p.Ser1466Ala)

Gene: SRCAP (Snf2 related CREBBP activator protein; plus strand). Cytogenetic location: 16p11.2.
Variant type: single nucleotide variant.
Coding change: c.4396T>G on transcript NM_006662.3 (MANE Select); coding-DNA position 4396, T replaced by G.
Protein change: p.Ser1466Ala; replaces serine 1466 with alanine.
Molecular consequence: missense variant.
Genome position (GRCh38, 1-based): chr16:30,723,820, T>G. VCF-style: chr16-30723820-T-G. GRCh37 (hg19) VCF-style: chr16-30735141-T-G.
Other names: short protein forms S1466A.
Identifiers: ClinVar variation 1722807 (VCV001722807.2), dbSNP rs1596655819, ClinGen allele CA395615901.
Genomic context (GRCh38, chr16:30,723,820, plus strand): 5'-ACACTTCCTGCCCCAGCCTCGGCTCCACTCACCATCCCCATCTCAGCCCCCTTGACTGTT[T>G]CTGCTTCGGGCCCAGCTCTGTTGACCAGTGTGACTCCACCATTGGCACCTGTTGTCCCAG-3'
Protein context (NP_006653.2, residues 1456-1476): TIPISAPLTV[Ser1466Ala]ASGPALLTSV